The following is an entry in ClinVar:

NM_001387263.1(PATL2):c.437dup (p.Pro146_Arg147insTer)

Gene: PATL2 (PAT1 homolog 2; minus strand). Cytogenetic location: 15q21.1.
Variant type: Duplication.
Coding change: c.437dup on transcript NM_001387263.1 (MANE Select); coding-DNA position 437, one base duplicated (C; older notation c.437dupC).
Protein change: p.Pro146_Arg147insTer.
Molecular consequence: frameshift variant. On other transcripts: 5 prime UTR variant (1).
Genome position (GRCh38, 1-based): chr15:44,673,244, G duplicated on the plus strand (C on the coding strand, the reverse complement: PATL2 is on the minus strand); the first of 5 consecutive G bases (chr15:44,673,244-44,673,248); duplicating any one gives the same sequence. VCF-style (leftmost placement, unchanged base first): chr15-44673243-A-AG. GRCh37 (hg19) VCF-style: chr15-44965441-A-AG.
Other names: c.437dupC (NM_001145112.1); c.437dup, p.Pro146_Arg147insTer (NM_001145112.2, NM_001387260.1, NM_001387261.1 and 2 more transcripts); c.-214dup (NM_001330283.2).
Identifiers: ClinVar variation 4813487 (VCV004813487.4).

ClinVar aggregate classification (germline): Pathogenic/Likely pathogenic. Review status: criteria provided, multiple submitters, no conflicts (2 of 4 stars). 3 submissions from 3 submitters: Pathogenic (1); Likely pathogenic (2). Last evaluated 2026-07-08.

Conditions:
PATL2-related disorder. Also called: PATL2-related condition.
Oocyte maturation defect 4. Also called: OOCYTE/ZYGOTE/EMBRYO MATURATION ARREST 4. Identifiers: MedGen C4540284, MONDO:0021575, OMIM 617743.

Submissions (3):

PreventionGenetics, part of Exact Sciences
Classification: Likely pathogenic for PATL2-related condition. Last evaluated: 2026-07-08. Review status: criteria provided, single submitter. Criteria: ACMG Guidelines, 2015. Collection method: clinical testing. Allele origin: germline.
Comment: The PATL2 c.437dupC variant is predicted to result in premature protein termination (p.Arg147*). To our knowledge, this variant has not been reported in the literature. This variant is reported in 0.0050% of alleles in individuals of European (Non-Finnish) descent in gnomAD. Nonsense variants in PATL2 are expected to be pathogenic. This variant is interpreted as likely pathogenic.

Dasa
Classification: Likely pathogenic. Last evaluated: 2025-12-22. Review status: criteria provided, single submitter. Criteria: DASA Assertion Criteria. Collection method: clinical testing. Allele origin: germline.
Comment: NM_001387263.1(PATL2):c.437dup (p.Arg147*) is a nonsense variant in PATL2 predicted to introduce a premature termination codon and is predicted to result in an absent or altered protein product. Loss of function is an established disease mechanism for PATL2-associated disorders. Also, this variant is rare in population databases. Based on the currently available evidence, this variant is classified as likely pathogenic.

MVZ Praenatalmedizin und Genetik Nuernberg
Classification: Pathogenic for Oocyte maturation defect 4. Last evaluated: 2022-08-11. Review status: criteria provided, single submitter. Criteria: ACMG Guidelines, 2015. Collection method: clinical testing. Allele origin: germline. Affected: yes.
Comment: This nonsense mutation leads to a premature stop in exon 5 of 16. The variant was therefore classified as pathogenic.